The following is an entry in ClinVar:

NM_000182.5(HADHA):c.2185A>G (p.Ile729Val)

Genes: HADHA (hydroxyacyl-CoA dehydrogenase trifunctional multienzyme complex subunit alpha; minus strand), GAREM2 (GRB2 associated regulator of MAPK1 subtype 2; plus strand). Cytogenetic location: 2p23.3.
Variant type: single nucleotide variant.
Coding change: c.2185A>G on transcript NM_000182.5 (MANE Select); coding-DNA position 2185, A replaced by G.
Protein change: p.Ile729Val; replaces isoleucine 729 with valine.
Molecular consequence: missense variant.
Genome position (GRCh38, 1-based): chr2:26,191,357, T>C on the plus strand (A>G on the coding strand, the complement: HADHA is on the minus strand). VCF-style: chr2-26191357-T-C. GRCh37 (hg19) VCF-style: chr2-26414226-T-C.
Other names: short protein forms I729V.
Identifiers: ClinVar variation 2080602 (VCV002080602.1), dbSNP rs1669492430, ClinGen allele CA346111713.

ClinVar aggregate classification (germline): Uncertain significance (1 of 4 stars; one submission).

Conditions:
Mitochondrial trifunctional protein deficiency. Identifiers: Orphanet 746, MedGen C1969443, MONDO:0012172.
Long chain 3-hydroxyacyl-CoA dehydrogenase deficiency. Also called: Deficiency of long-chain 3-hydroxyacyl-coenzyme A dehydrogenase; LCHAD Deficiency. Identifiers: Orphanet 5, MedGen C3711645, MONDO:0012173, OMIM 609016.

gnomAD v4.1: 2 of 1,614,028 alleles (0.00012%); highest among the groups gnomAD compares: Admixed American, 0.0017%; no homozygotes.

Submission:

Labcorp Genetics (formerly Invitae), Labcorp
Classification: Uncertain significance for Mitochondrial trifunctional protein deficiency; Long chain 3-hydroxyacyl-CoA dehydrogenase deficiency. Last evaluated: 2022-07-23. Review status: criteria provided, single submitter. Criteria: Invitae Variant Classification Sherloc (09022015). Collection method: clinical testing. Allele origin: germline.
Comment: This sequence change replaces isoleucine, which is neutral and non-polar, with valine, which is neutral and non-polar, at codon 729 of the HADHA protein (p.Ile729Val). This variant is not present in population databases (gnomAD no frequency). This variant has not been reported in the literature in individuals affected with HADHA-related conditions. Advanced modeling of protein sequence and biophysical properties (such as structural, functional, and spatial information, amino acid conservation, physicochemical variation, residue mobility, and thermodynamic stability) performed at Invitae indicates that this missense variant is not expected to disrupt HADHA protein function. Algorithms developed to predict the effect of sequence changes on RNA splicing suggest that this variant may create or strengthen a splice site. In summary, the available evidence is currently insufficient to determine the role of this variant in disease. Therefore, it has been classified as a Variant of Uncertain Significance.